The following is an entry in ClinVar:

NM_001018115.3(FANCD2):c.904C>T (p.Arg302Trp)

Genes: FANCD2 (FA complementation group D2; plus strand), LOC107303338 (3p25 FANCD2 Alu-mediated recombination region; plus strand). Cytogenetic location: 3p25.3.
Variant type: single nucleotide variant.
Coding change: c.904C>T on transcript NM_001018115.3 (MANE Select); coding-DNA position 904, C replaced by T.
Protein change: p.Arg302Trp; replaces arginine 302 with tryptophan.
Molecular consequence: missense variant.
Genome position (GRCh38, 1-based): chr3:10,043,065, C>T. VCF-style: chr3-10043065-C-T. GRCh37 (hg19) VCF-style: chr3-10084749-C-T.
Other names: c.904C>T, p.Arg302Trp (NM_001319984.2, NM_001374253.1, NM_001374254.1 and 1 more transcripts); short protein forms R302W.
Identifiers: ClinVar variation 12040 (VCV000012040.19), dbSNP rs121917787, ClinGen allele CA256197.

ClinVar aggregate classification (germline): Pathogenic/Likely pathogenic. Review status: criteria provided, multiple submitters, no conflicts (2 of 4 stars). 7 submissions from 7 submitters: Pathogenic (3); Likely pathogenic (2). 2 of the submissions do not count toward it. Last evaluated 2024-09-30.

Conditions:
Fanconi anemia (FA). Also called: Fanconi's anemia. Identifiers: Orphanet 84, MedGen C0015625, MeSH D005199, MONDO:0019391.
Fanconi anemia complementation group D2. Also called: FANCD2-Related Fanconi Anemia; FANCONI PANCYTOPENIA, TYPE 4; FANCONI ANEMIA, COMPLEMENTATION GROUP D. Identifiers: Orphanet 84, MedGen C3160738, MONDO:0009214, OMIM 227646.

Allele frequency attached by ClinVar (database versions not stated): gnomAD exomes 0.00001 and 0.00002; TOPMed 0.00001; ExAC 0.00002.

Submissions (7):

ARUP Laboratories, Molecular Genetics and Genomics, ARUP Laboratories
Classification: Pathogenic for Fanconi anemia complementation group D2. Last evaluated: 2024-09-30. Review status: criteria provided, single submitter. Criteria: ARUP Molecular Germline Variant Investigation Process 2024. Collection method: clinical testing. Allele origin: germline.
Comment: The FAND2 c.904C>T; p.Arg302Trp variant (rs121917787; ClinVar ID: 12040) is reported in the literature in several individuals affected with Fanconi anemia that carried a second pathogenic variant in trans (Ameziane 2012, Timmers 2001, Zhang 2016). The p.Arg302Trp variant is only observed on two alleles in the Genome Aggregation Database (v2.1.1), indicating it is not a common polymorphism. Computational analyses predict that this variant is deleterious (REVEL: 0.715). Consistent with predictions, functional analyses indicate the variant protein has reduced stability and impaired function (Nookala 2007, Sato 2012, Timmers 2001). Based on available information, this variant is considered to be pathogenic. References: Ameziane N et al. Diagnosis of fanconi anemia: mutation analysis by next-generation sequencing. Anemia. 2012;2012:132856. PMID: 22720145. Nookala RK et al. Insights into Fanconi Anaemia from the structure of human FANCE. Nucleic Acids Res. 2007;35(5):1638-48. PMID: 17308347. Sato K et al. Histone chaperone activity of Fanconi anemia proteins, FANCD2 and FANCI, is required for DNA crosslink repair. EMBO J. 2012 Aug 29;31(17):3524-36. PMID: 22828868. Timmers C et al. Positional cloning of a novel Fanconi anemia gene, FANCD2. Mol Cell. 2001 Feb;7(2):241-8. PMID: 11239453. Zhang J et al. Utility of next-generation sequencing technologies for the efficient genetic resolution of haematological disorders. Clin Genet. 2016 Feb;89(2):163-72. PMID: 25703294.

Baylor Genetics
Classification: Pathogenic for Fanconi anemia complementation group D2. Last evaluated: 2024-02-16. Review status: criteria provided, single submitter. Criteria: ACMG Guidelines, 2015. Collection method: clinical testing. Allele origin: unknown.

Labcorp Genetics (formerly Invitae), Labcorp
Classification: Pathogenic for Fanconi anemia. Last evaluated: 2023-12-09. Review status: criteria provided, single submitter. Criteria: Invitae Variant Classification Sherloc (09022015). Collection method: clinical testing. Allele origin: germline.
Comment: This sequence change replaces arginine, which is basic and polar, with tryptophan, which is neutral and slightly polar, at codon 302 of the FANCD2 protein (p.Arg302Trp). This variant is present in population databases (rs121917787, gnomAD 0.002%). This missense change has been observed in individual(s) with Fanconi anemia (PMID: 11239453, 22720145, 25703294; Invitae). In at least one individual the data is consistent with being in trans (on the opposite chromosome) from a pathogenic variant. It has also been observed to segregate with disease in related individuals. ClinVar contains an entry for this variant (Variation ID: 12040). Advanced modeling of protein sequence and biophysical properties (such as structural, functional, and spatial information, amino acid conservation, physicochemical variation, residue mobility, and thermodynamic stability) performed at Invitae indicates that this missense variant is expected to disrupt FANCD2 protein function with a positive predictive value of 80%. Experimental studies have shown that this missense change affects FANCD2 function (PMID: 11239453, 17308347, 22828868). Algorithms developed to predict the effect of sequence changes on RNA splicing suggest that this variant may disrupt the consensus splice site. For these reasons, this variant has been classified as Pathogenic.

Revvity Omics, Revvity
Classification: Likely pathogenic for Fanconi anemia complementation group D2. Last evaluated: 2019-05-02. Review status: criteria provided, single submitter. Criteria: ACMG Guidelines, 2015. Collection method: clinical testing. Allele origin: germline.

Molecular Diagnostics Laboratory, M Health Fairview: University of Minnesota
Classification: Likely pathogenic for Fanconi anemia complementation group D2. Last evaluated: 2016-11-21. Review status: criteria provided, single submitter. Criteria: ACMG Guidelines, 2015. Collection method: clinical testing. Allele origin: germline. Affected: yes. Observed: 1 variant allele.

Leiden Open Variation Database
Classification: Pathogenic for Fanconi anemia complementation group D2. Last evaluated: 2020-02-28. Review status: no assertion criteria provided. Collection method: curation. Allele origin: germline. Affected: yes. Not counted in ClinVar's aggregate classification.
Comment: Curator: Arleen D. Auerbach. Submitter to LOVD: Arleen D. Auerbach.

OMIM
Classification: Pathogenic for FANCONI ANEMIA, COMPLEMENTATION GROUP D2. Last evaluated: 2001-02-01. Review status: no assertion criteria provided. Collection method: literature only. Allele origin: germline. Not counted in ClinVar's aggregate classification.

Literature cited by the submitters: PubMed 11239453 (cited by 4 submitters); PubMed 22720145 (cited by Labcorp Genetics (formerly Invitae), Labcorp); PubMed 25703294 (cited by Labcorp Genetics (formerly Invitae), Labcorp); PubMed 17308347 (cited by Labcorp Genetics (formerly Invitae), Labcorp); PubMed 22828868 (cited by Labcorp Genetics (formerly Invitae), Labcorp); PubMed 17436244 (cited by Leiden Open Variation Database).